The following is an entry in ClinVar:

NM_030973.4(MED25):c.787C>T (p.Gln263Ter)

Gene: MED25 (mediator complex subunit 25; plus strand). Cytogenetic location: 19q13.33.
Variant type: single nucleotide variant.
Coding change: c.787C>T on transcript NM_030973.4 (MANE Select); coding-DNA position 787, C replaced by T.
Protein change: p.Gln263Ter; replaces glutamine 263 with a stop codon.
Molecular consequence: nonsense.
Genome position (GRCh38, 1-based): chr19:49,830,186, C>T. VCF-style: chr19-49830186-C-T. GRCh37 (hg19) VCF-style: chr19-50333443-C-T.
Other names: c.787C>T, p.Gln263Ter (NM_001378355.1); short protein forms Q263*.
Identifiers: ClinVar variation 1460485 (VCV001460485.6), dbSNP rs765215168, ClinGen allele CA406914170.

ClinVar aggregate classification (germline): Uncertain significance (1 of 4 stars; one submission).

Conditions:
Charcot-Marie-Tooth disease type 2. Also called: Charcot-Marie-Tooth type 2. Identifiers: Orphanet 64746, MedGen C0270914, MONDO:0018993.

Submission:

Labcorp Genetics (formerly Invitae), Labcorp
Classification: Uncertain significance for Charcot-Marie-Tooth disease type 2. Last evaluated: 2022-07-19. Review status: criteria provided, single submitter. Criteria: Invitae Variant Classification Sherloc (09022015). Collection method: clinical testing. Allele origin: germline.
Comment: This variant is not present in population databases (gnomAD no frequency). In summary, the available evidence is currently insufficient to determine the role of this variant in disease. Therefore, it has been classified as a Variant of Uncertain Significance. ClinVar contains an entry for this variant (Variation ID: 1460485). This variant has not been reported in the literature in individuals affected with MED25-related conditions. This sequence change creates a premature translational stop signal (p.Gln263*) in the MED25 gene. It is expected to result in an absent or disrupted protein product. However, the current clinical and genetic evidence is not sufficient to establish whether loss-of-function variants in MED25 cause disease.